The following is an entry in ClinVar:

NM_004304.5(ALK):c.2319C>G (p.Ile773Met)

Gene: ALK (ALK receptor tyrosine kinase; minus strand). Cytogenetic location: 2p23.2.
Variant type: single nucleotide variant.
Coding change: c.2319C>G on transcript NM_004304.5 (MANE Select); coding-DNA position 2319, C replaced by G.
Protein change: p.Ile773Met; replaces isoleucine 773 with methionine.
Molecular consequence: missense variant.
Genome position (GRCh38, 1-based): chr2:29,239,716, G>C on the plus strand (C>G on the coding strand, the complement: ALK is on the minus strand). VCF-style: chr2-29239716-G-C. GRCh37 (hg19) VCF-style: chr2-29462582-G-C.
Other names: short protein forms I773M.
Identifiers: ClinVar variation 957309 (VCV000957309.8), dbSNP rs1227146625, ClinGen allele CA346474315.

ClinVar aggregate classification (germline): Uncertain significance. Review status: criteria provided, multiple submitters, no conflicts (2 of 4 stars). 2 submissions from 2 submitters: Uncertain significance (2). Last evaluated 2024-01-14.

Conditions:
Hereditary cancer-predisposing syndrome. Also called: Hereditary neoplastic syndrome; Tumor predisposition; Neoplastic Syndromes, Hereditary; Hereditary Cancer Syndrome. Identifiers: Orphanet 140162, MedGen C0027672, MeSH D009386, MONDO:0015356.
Neuroblastoma, susceptibility to, 3. Also called: ALK-Related Neuroblastic Tumor Susceptibility. Identifiers: Orphanet 635, MedGen C2751681, MONDO:0013083, OMIM 613014.

Submissions (2):

Ambry Genetics
Classification: Uncertain significance for Hereditary cancer-predisposing syndrome. Last evaluated: 2024-01-14. Review status: criteria provided, single submitter. Criteria: Ambry Variant Classification Scheme 2023. Collection method: clinical testing. Allele origin: germline.
Comment: The p.I773M variant (also known as c.2319C>G), located in coding exon 13 of the ALK gene, results from a C to G substitution at nucleotide position 2319. The isoleucine at codon 773 is replaced by methionine, an amino acid with highly similar properties. This amino acid position is conserved. In addition, this alteration is predicted to be tolerated by in silico analysis. Since supporting evidence is limited at this time, the clinical significance of this alteration remains unclear.

Labcorp Genetics (formerly Invitae), Labcorp
Classification: Uncertain significance for Neuroblastoma, susceptibility to, 3. Last evaluated: 2022-07-06. Review status: criteria provided, single submitter. Criteria: Invitae Variant Classification Sherloc (09022015). Collection method: clinical testing. Allele origin: germline.
Comment: This sequence change replaces isoleucine, which is neutral and non-polar, with methionine, which is neutral and non-polar, at codon 773 of the ALK protein (p.Ile773Met). This variant is not present in population databases (gnomAD no frequency). This variant has not been reported in the literature in individuals affected with ALK-related conditions. ClinVar contains an entry for this variant (Variation ID: 957309). Algorithms developed to predict the effect of missense changes on protein structure and function are either unavailable or do not agree on the potential impact of this missense change (SIFT: "Deleterious"; PolyPhen-2: "Benign"; Align-GVGD: "Class C0"). In summary, the available evidence is currently insufficient to determine the role of this variant in disease. Therefore, it has been classified as a Variant of Uncertain Significance.